The following is an entry in ClinVar:

NM_014140.4(SMARCAL1):c.1982T>G (p.Ile661Arg)

Gene: SMARCAL1 (SNF2 related chromatin remodeling annealing helicase 1; plus strand). Cytogenetic location: 2q35.
Variant type: single nucleotide variant.
Coding change: c.1982T>G on transcript NM_014140.4 (MANE Select); coding-DNA position 1982, T replaced by G.
Protein change: p.Ile661Arg; replaces isoleucine 661 with arginine.
Molecular consequence: missense variant.
Genome position (GRCh38, 1-based): chr2:216,450,976, T>G. VCF-style: chr2-216450976-T-G. GRCh37 (hg19) VCF-style: chr2-217315699-T-G.
Other names: c.1982T>G, p.Ile661Arg (NM_001127207.2); short protein forms I661R.
Identifiers: ClinVar variation 1990439 (VCV001990439.4), dbSNP rs1694438183, ClinGen allele CA350502163.

ClinVar aggregate classification (germline): Uncertain significance (1 of 4 stars; one submission).

Conditions:
Schimke immuno-osseous dysplasia (SIOD). Also called: Schimke Immunoosseous Dysplasia. Identifiers: Orphanet 1830, MedGen C0877024, MONDO:0009458, OMIM 242900.

Allele frequency attached by ClinVar (database versions not stated): TOPMed below 0.00001.

Submission:

Labcorp Genetics (formerly Invitae), Labcorp
Classification: Uncertain significance for Schimke immuno-osseous dysplasia. Last evaluated: 2022-07-29. Review status: criteria provided, single submitter. Criteria: Invitae Variant Classification Sherloc (09022015). Collection method: clinical testing. Allele origin: germline.
Comment: This sequence change replaces isoleucine, which is neutral and non-polar, with arginine, which is basic and polar, at codon 661 of the SMARCAL1 protein (p.Ile661Arg). This variant is not present in population databases (gnomAD no frequency). This variant has not been reported in the literature in individuals affected with SMARCAL1-related conditions. Algorithms developed to predict the effect of missense changes on protein structure and function are either unavailable or do not agree on the potential impact of this missense change (SIFT: "Deleterious"; PolyPhen-2: "Benign"; Align-GVGD: "Class C0"). In summary, the available evidence is currently insufficient to determine the role of this variant in disease. Therefore, it has been classified as a Variant of Uncertain Significance.